The following is an entry in ClinVar:

Single allele

Genes: ATAD3A (ATPase family AAA domain containing 3A; plus strand), ATAD3B (ATPase family AAA domain containing 3B; plus strand). Cytogenetic location: 1p36.33.
Variant type: Deletion.
Identifiers: ClinVar variation 225698 (VCV000225698.1).

ClinVar aggregate classification (germline): Pathogenic (1 of 4 stars; one submission).

Submission:

Lupski Lab, Baylor-Hopkins CMG, Baylor College of Medicine
Classification: Pathogenic. Last evaluated: 2016-04-26. Review status: criteria provided, single submitter. Criteria: Harel et al. (Am J Hum Genet 2016). Collection method: research. Allele origin: germline. Inheritance: Autosomal recessive inheritance. Affected: yes. Observed: 1 compound heterozygote.